The following is an entry in ClinVar:

NM_001942.4(DSG1):c.2422G>A (p.Val808Ile)

Genes: DSG1 (desmoglein 1; plus strand), DSG1-AS1 (DSG1 antisense RNA 1; minus strand), LOC126862720 (MED14-independent group 3 enhancer GRCh37_chr18:28933613-28934812; plus strand). Cytogenetic location: 18q12.1.
Variant type: single nucleotide variant.
Coding change: c.2422G>A on transcript NM_001942.4 (MANE Select); coding-DNA position 2422, G replaced by A.
Protein change: p.Val808Ile; replaces valine 808 with isoleucine.
Molecular consequence: missense variant.
Genome position (GRCh38, 1-based): chr18:31,354,618, G>A. VCF-style: chr18-31354618-G-A. GRCh37 (hg19) VCF-style: chr18-28934581-G-A.
Other names: c.2422G>A (NM_001942.2); short protein forms V808I.
Identifiers: ClinVar variation 1354081 (VCV001354081.7), dbSNP rs757502339, ClinGen allele CA8926354.

ClinVar aggregate classification (germline): Uncertain significance. Review status: criteria provided, multiple submitters, no conflicts (2 of 4 stars). 2 submissions from 2 submitters: Uncertain significance (2). Last evaluated 2025-05-17.

Conditions:
Inborn genetic diseases. Identifiers: MedGen C0950123, MeSH D030342.

Allele frequency attached by ClinVar (database versions not stated): ExAC 0.00001; gnomAD exomes 0.00001 and 0.00002; gnomAD 0.00003 and 0.00004; TOPMed 0.00003.
gnomAD v4.1: 31 of 1,614,050 alleles (0.0019%); highest among the groups gnomAD compares: Non-Finnish European, 0.0024%; no homozygotes.

Submissions (2):

Ambry Genetics
Classification: Uncertain significance for Inborn genetic diseases. Last evaluated: 2025-05-17. Review status: criteria provided, single submitter. Criteria: Ambry Variant Classification Scheme 2023. Collection method: clinical testing. Allele origin: germline.

Labcorp Genetics (formerly Invitae), Labcorp
Classification: Uncertain significance. Last evaluated: 2025-01-29. Review status: criteria provided, single submitter. Criteria: Invitae Variant Classification Sherloc (09022015). Collection method: clinical testing. Allele origin: germline.
Comment: This sequence change replaces valine, which is neutral and non-polar, with isoleucine, which is neutral and non-polar, at codon 808 of the DSG1 protein (p.Val808Ile). This variant is present in population databases (rs757502339, gnomAD 0.003%). This variant has not been reported in the literature in individuals affected with DSG1-related conditions. ClinVar contains an entry for this variant (Variation ID: 1354081). Invitae Evidence Modeling of protein sequence and biophysical properties (such as structural, functional, and spatial information, amino acid conservation, physicochemical variation, residue mobility, and thermodynamic stability) indicates that this missense variant is not expected to disrupt DSG1 protein function with a negative predictive value of 80%. In summary, the available evidence is currently insufficient to determine the role of this variant in disease. Therefore, it has been classified as a Variant of Uncertain Significance.